The following is an entry in ClinVar:

NM_001291415.2(KDM6A):c.4161+9T>G

Gene: KDM6A (lysine demethylase 6A; plus strand). Cytogenetic location: Xp11.3.
Variant type: single nucleotide variant.
Coding change: c.4161+9T>G on transcript NM_001291415.2 (MANE Select); 9 bases into the intron after coding-DNA position 4161, T replaced by G.
Molecular consequence: intron variant.
Genome position (GRCh38, 1-based): chrX:45,107,545, T>G. VCF-style: chrX-45107545-T-G. GRCh37 (hg19) VCF-style: chrX-44966790-T-G.
Other names: c.3870+9T>G (NM_001291417.2); c.3876+9T>G (NM_001419815.1); c.3768+9T>G (NM_001291418.2); c.3117+9T>G (NM_001291421.2); c.4269+9T>G (NM_001419809.1); c.4167+9T>G (NM_001419810.1); c.4059+9T>G (NM_001419813.1); c.4113+9T>G (NM_001419812.1); and 5 more.
Identifiers: ClinVar variation 4850546 (VCV004850546.1).
Genomic context (GRCh38, chrX:45,107,545, plus strand): 5'-ATGGCATGGGCGGACAAAAGAAGAACCAGCTCATTACTGTAGCATTTGTGAAGTAAGTAA[T>G]TGTTTTTATCCACAGTTGTTTTATAAAGCCTCTTCCCTCTCCACTGTTGGTTTCTCTTTA-3'

ClinVar aggregate classification (germline): Likely benign (1 of 4 stars; one submission).

Conditions:
Kabuki syndrome 2 (KABUK2). Also called: KDM6A-Related Kabuki Syndrome. Identifiers: Orphanet 2322, MedGen C3275495, MONDO:0010465, OMIM 300867.

gnomAD v4.1: 14 of 1,197,473 alleles (0.0012%); highest among the groups gnomAD compares: South Asian, 0.012%; no homozygotes.

Submission:

Centre for Medical Genetics,  Mumbai
Classification: Likely benign for Kabuki syndrome 2. Last evaluated: 2026-04-03. Review status: criteria provided, single submitter. Criteria: ACMG Guidelines, 2015. Collection method: provider interpretation. Allele origin: germline. Inheritance: X-linked inheritance. Affected: no. Observed: 1 variant allele, 1 homozygote.
Comment: The variant satisfies PM2 criteria; Extremely low frequency in gnomAD population databases. The variant satisfies PP3 criteria; For a missense or a splicing region variant, computational prediction tools unanimously support a deleterious effect on the gene. However, the variant satisfies BS2 criteria.

Literature cited by the submitters: PubMed 22197486.